The following is an entry in ClinVar:

NM_004336.5(BUB1):c.3103A>T (p.Met1035Leu)

Gene: BUB1 (BUB1 mitotic checkpoint serine/threonine kinase; minus strand). Cytogenetic location: 2q13.
Variant type: single nucleotide variant.
Coding change: c.3103A>T on transcript NM_004336.5 (MANE Select); coding-DNA position 3103, A replaced by T.
Protein change: p.Met1035Leu; replaces methionine 1035 with leucine.
Molecular consequence: missense variant.
Genome position (GRCh38, 1-based): chr2:110,638,119, T>A on the plus strand (A>T on the coding strand, the complement: BUB1 is on the minus strand). VCF-style: chr2-110638119-T-A. GRCh37 (hg19) VCF-style: chr2-111395696-T-A.
Other names: c.3043A>T, p.Met1015Leu (NM_001278616.2); c.2932A>T, p.Met978Leu (NM_001278617.2); short protein forms M1035L, M978L, M1015L.
Identifiers: ClinVar variation 2565786 (VCV002565786.2), dbSNP rs2467963569, ClinGen allele CA348088547.

ClinVar aggregate classification (germline): Uncertain significance (1 of 4 stars; one submission).

Submission:

Ambry Genetics
Classification: Uncertain significance. Last evaluated: 2023-04-07. Review status: criteria provided, single submitter. Criteria: Ambry Variant Classification Scheme 2023. Collection method: clinical testing. Allele origin: germline.
Comment: The p.M1035L variant (also known as c.3103A>T), located in coding exon 25 of the BUB1 gene, results from an A to T substitution at nucleotide position 3103. The methionine at codon 1035 is replaced by leucine, an amino acid with highly similar properties. This amino acid position is conserved. In addition, this alteration is predicted to be tolerated by in silico analysis. Since supporting evidence is limited at this time, the clinical significance of this alteration remains unclear.